The following is an entry in ClinVar:

ClinVar aggregate classification (germline): Likely benign (1 of 4 stars; one submission).

Submission:

CeGaT Center for Human Genetics Tuebingen
Classification: Likely benign. Last evaluated: 2025-11-01. Review status: criteria provided, single submitter. Criteria: CeGaT Center For Human Genetics Tuebingen Variant Classification Criteria Version 2. Collection method: clinical testing. Allele origin: germline. Affected: yes. Observed: 1 variant allele.
Comment: BCORL1: PM2:Supporting, BP4, BP7

NM_001379451.1(BCORL1):c.3609T>A (p.Gly1203=)

Gene: BCORL1 (BCL6 corepressor like 1; plus strand). Cytogenetic location: Xq26.1.
Variant type: single nucleotide variant.
Coding change: c.3609T>A on transcript NM_001379451.1 (MANE Select); coding-DNA position 3609, T replaced by A.
Protein change: p.Gly1203=; no amino-acid change (glycine 1203 retained).
Molecular consequence: synonymous variant.
Genome position (GRCh38, 1-based): chrX:130,022,898, T>A. VCF-style: chrX-130022898-T-A. GRCh37 (hg19) VCF-style: chrX-129156873-T-A.
Other names: c.3609T>A, p.Gly1203= (NM_001184772.3, NM_001379450.1, NM_021946.5).
Identifiers: ClinVar variation 2661420 (VCV002661420.24), dbSNP rs2522743176, ClinGen allele CA518468341.